The following is an entry in ClinVar:

ClinVar aggregate classification (germline): Uncertain significance (1 of 4 stars; one submission).

Conditions:
Neuroblastoma, susceptibility to, 3. Also called: ALK-Related Neuroblastic Tumor Susceptibility. Identifiers: Orphanet 635, MedGen C2751681, MONDO:0013083, OMIM 613014.

Submission:

Labcorp Genetics (formerly Invitae), Labcorp
Classification: Uncertain significance for Neuroblastoma, susceptibility to, 3. Last evaluated: 2025-09-02. Review status: criteria provided, single submitter. Criteria: Invitae Variant Classification Sherloc (09022015). Collection method: clinical testing. Allele origin: germline.
Comment: This sequence change creates a premature translational stop signal (p.Tyr739*) in the ALK gene. It is expected to result in an absent or disrupted protein product. However, the current clinical and genetic evidence is not sufficient to establish whether loss-of-function variants in ALK cause disease. This variant is not present in population databases (gnomAD no frequency). This variant has not been reported in the literature in individuals affected with ALK-related conditions. ClinVar contains an entry for this variant (Variation ID: 954812). In summary, the available evidence is currently insufficient to determine the role of this variant in disease. Therefore, it has been classified as a Variant of Uncertain Significance.

NM_004304.5(ALK):c.2217C>A (p.Tyr739Ter)

Gene: ALK (ALK receptor tyrosine kinase; minus strand). Cytogenetic location: 2p23.2.
Variant type: single nucleotide variant.
Coding change: c.2217C>A on transcript NM_004304.5 (MANE Select); coding-DNA position 2217, C replaced by A.
Protein change: p.Tyr739Ter; replaces tyrosine 739 with a stop codon.
Molecular consequence: nonsense.
Genome position (GRCh38, 1-based): chr2:29,239,818, G>T on the plus strand (C>A on the coding strand, the complement: ALK is on the minus strand). VCF-style: chr2-29239818-G-T. GRCh37 (hg19) VCF-style: chr2-29462684-G-T.
Other names: short protein forms Y739*.
Identifiers: ClinVar variation 954812 (VCV000954812.7), dbSNP rs141858653, ClinGen allele CA346474772.